The following is an entry in ClinVar:

NM_000611.6(CD59):c.336TCT[1] (p.Leu115del)

Gene: CD59 (CD59 molecule (CD59 blood group); minus strand). Cytogenetic location: 11p13.
Variant type: Microsatellite.
Coding change: c.336TCT[1] on transcript NM_000611.6 (MANE Select); one copy of the 3-base unit TCT starting at c.336; the reference has two copies in a row; one copy, 3 bases deleted.
Protein change: p.Leu115del; deletes leucine 115.
Molecular consequence: inframe deletion.
Genome position (GRCh38, 1-based): chr11:33,710,172-33,710,174, AGA deleted on the plus strand (TCT on the coding strand, the reverse complement: CD59 is on the minus strand); deleting any 3 consecutive bases within chr11:33,710,172-33,710,178 gives the same sequence; the position shown is the placement nearest the transcript's 3' end. VCF-style (leftmost placement, unchanged base first): chr11-33710171-CAGA-C. GRCh37 (hg19) VCF-style: chr11-33731717-CAGA-C.
Other names: p.Leu115del; c.336TCT[1], p.Leu115del (NM_001127223.1, NM_001127225.2, NM_001127226.2 and 4 more transcripts); c.339_341del (NM_203330.2); short protein forms L115del.
Identifiers: ClinVar variation 2173580 (VCV002173580.3), dbSNP rs764428686, ClinGen allele CA5940706.

ClinVar aggregate classification (germline): Uncertain significance. Review status: criteria provided, multiple submitters, no conflicts (2 of 4 stars). 2 submissions from 2 submitters: Uncertain significance (2). Last evaluated 2025-11-16.

Submissions (2):

Labcorp Genetics (formerly Invitae), Labcorp
Classification: Uncertain significance. Last evaluated: 2025-11-16. Review status: criteria provided, single submitter. Criteria: Invitae Variant Classification Sherloc (09022015). Collection method: clinical testing. Allele origin: germline.
Comment: This variant, c.339_341del, results in the deletion of 1 amino acid(s) of the CD59 protein (p.Leu115del), but otherwise preserves the integrity of the reading frame. This variant is present in population databases (rs764428686, gnomAD 0.04%). This variant has not been reported in the literature in individuals affected with CD59-related conditions. ClinVar contains an entry for this variant (Variation ID: 2173580). Experimental studies and prediction algorithms are not available or were not evaluated, and the functional significance of this variant is currently unknown. In summary, the available evidence is currently insufficient to determine the role of this variant in disease. Therefore, it has been classified as a Variant of Uncertain Significance.

Mayo Clinic Laboratories, Mayo Clinic
Classification: Uncertain significance. Last evaluated: 2023-09-21. Review status: criteria provided, single submitter. Criteria: ACMG Guidelines, 2015. Collection method: clinical testing. Allele origin: germline. Observed: 1 variant allele.
Comment: PM2_moderate